The following is an entry in ClinVar:

NM_007118.4(TRIO):c.5598C>T (p.Ala1866=)

Gene: TRIO (trio Rho guanine nucleotide exchange factor; plus strand). Cytogenetic location: 5p15.2.
Variant type: single nucleotide variant.
Coding change: c.5598C>T on transcript NM_007118.4 (MANE Select); coding-DNA position 5598, C replaced by T.
Protein change: p.Ala1866=; no amino-acid change (alanine 1866 retained).
Molecular consequence: synonymous variant. On other transcripts: non-coding transcript variant (1).
Genome position (GRCh38, 1-based): chr5:14,462,856, C>T. VCF-style: chr5-14462856-C-T. GRCh37 (hg19) VCF-style: chr5-14462965-C-T.
Identifiers: ClinVar variation 3058352 (VCV003058352.3), dbSNP rs771403243, ClinGen allele CA3206783.

ClinVar aggregate classification (germline): Likely benign. Review status: criteria provided, single submitter (1 of 4 stars). 2 submissions from 2 submitters: Likely benign (1). 1 of the submissions does not count toward it. Last evaluated 2021-08-27.

Conditions:
TRIO-related disorder. Also called: TRIO-related disorders; TRIO-related condition.

Allele frequency attached by ClinVar (database versions not stated): ExAC 0.00001; TOPMed 0.00002; gnomAD 0.00005; gnomAD exomes 0.00009.
gnomAD v4.1: 133 of 1,612,912 alleles (0.0082%); highest among the groups gnomAD compares: Non-Finnish European, 0.011%; no homozygotes.

Submissions (2):

Blueprint Genetics
Classification: Likely benign. Last evaluated: 2021-08-27. Review status: criteria provided, single submitter. Criteria: ACMG Guidelines, 2015. Collection method: clinical testing. Allele origin: germline.

PreventionGenetics, part of Exact Sciences
Classification: Likely benign for TRIO-related condition. Last evaluated: 2019-03-14. Review status: no assertion criteria provided. Collection method: clinical testing. Allele origin: germline. Not counted in ClinVar's aggregate classification.
Comment: This variant is classified as likely benign based on ACMG/AMP sequence variant interpretation guidelines (Richards et al. 2015 PMID: 25741868, with internal and published modifications).